The following is an entry in ClinVar:

ClinVar aggregate classification (germline): Benign. Review status: criteria provided, multiple submitters, no conflicts (2 of 4 stars). 2 submissions from 2 submitters: Benign (2). Last evaluated 2018-01-13.

Conditions:
Amelogenesis imperfecta (AI). Also called: Congenital enamel hypoplasia. Identifiers: Orphanet 88661, MedGen C0002452, MONDO:0019507, HP:0000705.

Allele frequency attached by ClinVar (database versions not stated): gnomAD exomes 0.07547; gnomAD 0.22175 and 0.23393; 1000 Genomes Project 0.24161; TOPMed 0.24542; 1000 Genomes Project 30x 0.25265.
gnomAD v4.1: 33,265 of 151,274 alleles (22%); highest among the groups gnomAD compares: African/African-American, 64%; 8,851 homozygotes.

Submissions (2):

Illumina Laboratory Services, Illumina
Classification: Benign for Amelogenesis imperfecta. Last evaluated: 2018-01-13. Review status: criteria provided, single submitter. Criteria: ICSL Variant Classification Criteria 13 December 2019. Collection method: clinical testing. Allele origin: germline.
Comment: This variant was observed in the ICSL laboratory as part of a predisposition screen in an ostensibly healthy population. It had not been previously curated by ICSL or reported in the Human Gene Mutation Database (HGMD: prior to June 1st, 2018), and was therefore a candidate for classification through an automated scoring system. Utilizing variant allele frequency, disease prevalence and penetrance estimates, and inheritance mode, an automated score was calculated to assess if this variant is too frequent to cause the disease. Based on the score and internal cut-off values, a variant classified as benign is not then subjected to further curation. The score for this variant resulted in a classification of benign for this disease.

Breakthrough Genomics
Classification: Benign. Review status: criteria provided, single submitter. Criteria: ACMG Guidelines, 2015. Collection method: not provided. Allele origin: germline. Inheritance: Autosomal recessive inheritance. Affected: yes.

NM_031889.3(ENAM):c.*687G>C

Gene: ENAM (enamelin; plus strand). Cytogenetic location: 4q13.3.
Variant type: single nucleotide variant.
Coding change: c.*687G>C on transcript NM_031889.3 (MANE Select); 687 bases downstream of the stop codon, G replaced by C.
Molecular consequence: 3 prime UTR variant.
Genome position (GRCh38, 1-based): chr4:70,645,542, G>C. VCF-style: chr4-70645542-G-C. GRCh37 (hg19) VCF-style: chr4-71511259-G-C.
Other names: c.*687G>C (NM_001368133.1).
Identifiers: ClinVar variation 349520 (VCV000349520.6), dbSNP rs7665492, ClinGen allele CA10621636.